The following is an entry in ClinVar:

ClinVar aggregate classification (germline): Likely benign. Review status: criteria provided, multiple submitters, no conflicts (2 of 4 stars). 5 submissions from 5 submitters: Likely benign (5). Last evaluated 2025-06-01.

Conditions:
Cardiovascular phenotype. Identifiers: MedGen CN230736.
Catecholaminergic polymorphic ventricular tachycardia 1. Also called: RYR2-Related Catecholaminergic Polymorphic Ventricular Tachycardia; VENTRICULAR TACHYCARDIA, CATECHOLAMINERGIC POLYMORPHIC, 1, WITH OR WITHOUT ATRIAL DYSFUNCTION AND/OR DILATED CARDIOMYOPATHY; VENTRICULAR TACHYCARDIA, STRESS-INDUCED POLYMORPHIC 1. Identifiers: Orphanet 3286, MedGen C1631597, MONDO:0011484, OMIM 604772.
Catecholaminergic polymorphic ventricular tachycardia (CVPT). Also called: Catecholamine-induced polymorphic ventricular tachycardia. Identifiers: Orphanet 3286, MedGen C5574922, MONDO:0017990.
Cardiomyopathy (CMYO). Also called: Cardiomyopathies. Identifiers: Orphanet 167848, MedGen C0878544, MONDO:0004994, HP:0001638. Inheritance: Various modes of inheritance.

Allele frequency attached by ClinVar (database versions not stated): gnomAD 0.00001; gnomAD exomes 0.00001 and 0.00002; ExAC 0.00002; 1000 Genomes Project 0.00040; 1000 Genomes Project 30x 0.00047.
gnomAD v4.1: 6 of 1,613,758 alleles (0.00037%); highest among the groups gnomAD compares: Admixed American, 0.0067%; 1 homozygote.

Submissions (5):

Labcorp Genetics (formerly Invitae), Labcorp
Classification: Likely benign for Catecholaminergic polymorphic ventricular tachycardia 1. Last evaluated: 2025-06-01. Review status: criteria provided, single submitter. Criteria: Invitae Variant Classification Sherloc (09022015). Collection method: clinical testing. Allele origin: germline.

All of Us Research Program, National Institutes of Health
Classification: Likely benign for Catecholaminergic polymorphic ventricular tachycardia. Last evaluated: 2023-08-15. Review status: criteria provided, single submitter. Criteria: ACMG Guidelines, 2015. Collection method: clinical testing. Allele origin: germline. Inheritance: Autosomal dominant inheritance. Observed: 2 variant alleles, 2 heterozygotes.
Comment: This study involves interpretation of variants in research participants for the purpose of population health screening. Participant phenotype was not available at the time of variant classification. Additional details can be found in publication PMID: 35346344, PMCID: PMC8962531

Ambry Genetics
Classification: Likely benign for Cardiovascular phenotype. Last evaluated: 2023-04-08. Review status: criteria provided, single submitter. Criteria: Ambry Variant Classification Scheme 2023. Collection method: clinical testing. Allele origin: germline.

Color Diagnostics, LLC DBA Color Health
Classification: Likely benign for Cardiomyopathy. Last evaluated: 2019-04-01. Review status: criteria provided, single submitter. Criteria: ACMG Guidelines, 2015. Collection method: clinical testing. Allele origin: germline.

GeneDx
Classification: Likely benign. Last evaluated: 2016-05-16. Review status: criteria provided, single submitter. Criteria: GeneDx Variant Classification (06012015). Collection method: clinical testing. Allele origin: germline. Affected: yes.
Comment: This variant is considered likely benign or benign based on one or more of the following criteria: it is a conservative change, it occurs at a poorly conserved position in the protein, it is predicted to be benign by multiple in silico algorithms, and/or has population frequency not consistent with disease.

NM_001035.3(RYR2):c.7284C>T (p.Pro2428=)

Gene: RYR2 (ryanodine receptor 2; plus strand). Cytogenetic location: 1q43.
Variant type: single nucleotide variant.
Coding change: c.7284C>T on transcript NM_001035.3 (MANE Select); coding-DNA position 7284, C replaced by T.
Protein change: p.Pro2428=; no amino-acid change (proline 2428 retained).
Molecular consequence: synonymous variant.
Genome position (GRCh38, 1-based): chr1:237,643,389, C>T. VCF-style: chr1-237643389-C-T. GRCh37 (hg19) VCF-style: chr1-237806689-C-T.
Other names: c.7284C>T, p.Pro2428= (LRG_402t1).
Identifiers: ClinVar variation 386219 (VCV000386219.15), dbSNP rs563608396, ClinGen allele CA087348.